The following is an entry in ClinVar:

NM_000161.3(GCH1):c.631A>G (p.Met211Val)

Gene: GCH1 (GTP cyclohydrolase 1; minus strand). Cytogenetic location: 14q22.2.
Variant type: single nucleotide variant.
Coding change: c.631A>G on transcript NM_000161.3 (MANE Select); coding-DNA position 631, A replaced by G.
Protein change: p.Met211Val; replaces methionine 211 with valine.
Molecular consequence: missense variant. On other transcripts: intron variant (3).
Genome position (GRCh38, 1-based): chr14:54,844,139, T>C on the plus strand (A>G on the coding strand, the complement: GCH1 is on the minus strand). VCF-style: chr14-54844139-T-C. GRCh37 (hg19) VCF-style: chr14-55310857-T-C.
Other names: c.631A>G, p.Met211Val (NM_001024024.2); c.337A>G, p.Met113Val (NM_001424105.1); c.510-1085A>G (NM_001424104.1); c.627-1085A>G (NM_001024071.2); c.627-270A>G (NM_001024070.2); short protein forms M211V, M113V.
Identifiers: ClinVar variation 2925516 (VCV002925516.3), dbSNP rs2140038951, ClinGen allele CA389787238.
Genomic context (GRCh38, chr14:54,844,139, plus strand): 5'-ACATTGTGCTGGTCACAGTTTTGCTGTTCATTTTCTGTACACCTCGCATTACCATACACA[T>C]GTGTCTACAAAATAAGGCAACACAGGTTGTTTAAAGGAGTAGACAGCTGCTGGTTTGGTT-3'
Protein context (NP_000152.1, residues 201-221): GVGVVVEATH[Met211Val]CMVMRGVQKM

ClinVar aggregate classification (germline): Likely pathogenic (1 of 4 stars; one submission).

Conditions:
Dystonia 5 (DRD). Also called: DYSTONIA, PROGRESSIVE, WITH DIURNAL VARIATION; DYSTONIA-PARKINSONISM WITH DIURNAL FLUCTUATION; GTP Cyclohydrolase 1-Deficient Dopa-Responsive Dystonia; Dystonia, DOPA-responsive, with or without hyperphenylalaninemia; DYT-GCH1. Identifiers: Orphanet 98808, MedGen C1851920, MONDO:0007495, OMIM 128230.
GTP cyclohydrolase I deficiency. Identifiers: MedGen C0268467, MONDO:0100184.

Submission:

Labcorp Genetics (formerly Invitae), Labcorp
Classification: Likely pathogenic for GTP cyclohydrolase I deficiency; Dystonia 5. Last evaluated: 2023-09-24. Review status: criteria provided, single submitter. Criteria: Invitae Variant Classification Sherloc (09022015). Collection method: clinical testing. Allele origin: germline.
Comment: In summary, the currently available evidence indicates that the variant is pathogenic, but additional data are needed to prove that conclusively. Therefore, this variant has been classified as Likely Pathogenic. Advanced modeling of protein sequence and biophysical properties (such as structural, functional, and spatial information, amino acid conservation, physicochemical variation, residue mobility, and thermodynamic stability) performed at Invitae indicates that this missense variant is expected to disrupt GCH1 protein function. This variant disrupts the p.Met211 amino acid residue in GCH1. Other variant(s) that disrupt this residue have been observed in individuals with GCH1-related conditions (PMID: 7869202, 34054692), which suggests that this may be a clinically significant amino acid residue. This missense change has been observed in individual(s) with dopa-responsive dystonia and/or tetrahydrobiopterin (BH4)-deficient hyperphenylalaninemia (PMID: 9778264, 11486899, 18044725). This variant is not present in population databases (gnomAD no frequency). This sequence change replaces methionine, which is neutral and non-polar, with valine, which is neutral and non-polar, at codon 211 of the GCH1 protein (p.Met211Val).

Literature cited by the submitters: PubMed 7869202; PubMed 34054692; PubMed 9778264; PubMed 11486899; PubMed 18044725.